The following is an entry in ClinVar:

ClinVar aggregate classification (germline): Uncertain significance (1 of 4 stars; one submission).

Conditions:
Generalized epilepsy with febrile seizures plus, type 7 (GEFSP7). Also called: GEFS+, TYPE 7. Identifiers: Orphanet 36387, MedGen C2751778, MONDO:0013470, OMIM 613863.
Neuropathy, hereditary sensory and autonomic, type 2A (HSAN2A). Also called: HSAN IIA; MORVAN DISEASE; NEUROPATHY, CONGENITAL SENSORY; NEUROPATHY, HEREDITARY SENSORY RADICULAR, AUTOSOMAL RECESSIVE; NEUROPATHY, HEREDITARY SENSORY, TYPE IIA; NEUROPATHY, PROGRESSIVE SENSORY, OF CHILDREN. Identifiers: Orphanet 970, MedGen C2752089, MONDO:0024309, OMIM 201300.

Submission:

Labcorp Genetics (formerly Invitae), Labcorp
Classification: Uncertain significance for Neuropathy, hereditary sensory and autonomic, type 2A; Generalized epilepsy with febrile seizures plus, type 7. Last evaluated: 2022-03-01. Review status: criteria provided, single submitter. Criteria: Invitae Variant Classification Sherloc (09022015). Collection method: clinical testing. Allele origin: germline.
Comment: This variant is not present in population databases (gnomAD no frequency). In summary, the available evidence is currently insufficient to determine the role of this variant in disease. Therefore, it has been classified as a Variant of Uncertain Significance. Algorithms developed to predict the effect of missense changes on protein structure and function are either unavailable or do not agree on the potential impact of this missense change (SIFT: "Deleterious"; PolyPhen-2: "Benign"; Align-GVGD: "Class C0"). This variant has not been reported in the literature in individuals affected with SCN9A-related conditions. This sequence change replaces valine, which is neutral and non-polar, with methionine, which is neutral and non-polar, at codon 71 of the SCN9A protein (p.Val71Met).

NM_001365536.1(SCN9A):c.211G>A (p.Val71Met)

Gene: SCN9A (sodium voltage-gated channel alpha subunit 9; minus strand). Cytogenetic location: 2q24.3.
Variant type: single nucleotide variant.
Coding change: c.211G>A on transcript NM_001365536.1 (MANE Select); coding-DNA position 211, G replaced by A.
Protein change: p.Val71Met; replaces valine 71 with methionine.
Molecular consequence: missense variant.
Genome position (GRCh38, 1-based): chr2:166,311,546, C>T on the plus strand (G>A on the coding strand, the complement: SCN9A is on the minus strand). VCF-style: chr2-166311546-C-T. GRCh37 (hg19) VCF-style: chr2-167168056-C-T.
Other names: c.211G>A, p.Val71Met (NM_002977.4); short protein forms V71M.
Identifiers: ClinVar variation 1922282 (VCV001922282.5), dbSNP rs2468153911, ClinGen allele CA349095864.